The following is an entry in ClinVar:

NM_006231.4(POLE):c.5909C>T (p.Ser1970Phe)

Gene: POLE (DNA polymerase epsilon, catalytic subunit; minus strand). Cytogenetic location: 12q24.33.
Variant type: single nucleotide variant.
Coding change: c.5909C>T on transcript NM_006231.4 (MANE Select); coding-DNA position 5909, C replaced by T.
Protein change: p.Ser1970Phe; replaces serine 1970 with phenylalanine.
Molecular consequence: missense variant.
Genome position (GRCh38, 1-based): chr12:132,634,281, G>A on the plus strand (C>T on the coding strand, the complement: POLE is on the minus strand). VCF-style: chr12-132634281-G-A. GRCh37 (hg19) VCF-style: chr12-133210867-G-A.
Other names: short protein forms S1970F.
Identifiers: ClinVar variation 642178 (VCV000642178.14), dbSNP rs1593712166, ClinGen allele CA387371613.

ClinVar aggregate classification (germline): Uncertain significance. Review status: criteria provided, multiple submitters, no conflicts (2 of 4 stars). 3 submissions from 3 submitters: Uncertain significance (3). Last evaluated 2026-01-26.

Conditions:
Hereditary cancer-predisposing syndrome. Also called: Neoplastic Syndromes, Hereditary; Tumor predisposition; Hereditary neoplastic syndrome; Hereditary Cancer Syndrome. Identifiers: Orphanet 140162, MedGen C0027672, MeSH D009386, MONDO:0015356.

Allele frequency attached by ClinVar (database versions not stated): TOPMed below 0.00001; gnomAD exomes 0.00002.

Submissions (3):

Labcorp Genetics (formerly Invitae), Labcorp
Classification: Uncertain significance. Last evaluated: 2026-01-26. Review status: criteria provided, single submitter. Criteria: Invitae Variant Classification Sherloc (09022015). Collection method: clinical testing. Allele origin: germline.
Comment: This sequence change replaces serine, which is neutral and polar, with phenylalanine, which is neutral and non-polar, at codon 1970 of the POLE protein (p.Ser1970Phe). This variant is not present in population databases (gnomAD no frequency). This variant has not been reported in the literature in individuals affected with POLE-related conditions. ClinVar contains an entry for this variant (Variation ID: 642178). Invitae Evidence Modeling of protein sequence and biophysical properties (such as structural, functional, and spatial information, amino acid conservation, physicochemical variation, residue mobility, and thermodynamic stability) indicates that this missense variant is not expected to disrupt POLE protein function with a negative predictive value of 80%. In summary, the available evidence is currently insufficient to determine the role of this variant in disease. Therefore, it has been classified as a Variant of Uncertain Significance.

GeneDx
Classification: Uncertain significance. Last evaluated: 2025-05-28. Review status: criteria provided, single submitter. Criteria: GeneDx Variant Classification Process June 2021. Collection method: clinical testing. Allele origin: germline. Affected: yes.
Comment: Not observed at significant frequency in large population cohorts (gnomAD); In silico analysis suggests that this missense variant does not alter protein structure/function; Has not been previously published as pathogenic or benign to our knowledge

Ambry Genetics
Classification: Uncertain significance for Hereditary cancer-predisposing syndrome. Last evaluated: 2023-09-22. Review status: criteria provided, single submitter. Criteria: Ambry Variant Classification Scheme 2023. Collection method: clinical testing. Allele origin: germline.
Comment: The p.S1970F variant (also known as c.5909C>T), located in coding exon 43 of the POLE gene, results from a C to T substitution at nucleotide position 5909. The serine at codon 1970 is replaced by phenylalanine, an amino acid with highly dissimilar properties. This amino acid position is conserved. In addition, this alteration is predicted to be tolerated by in silico analysis. Since supporting evidence is limited at this time, the clinical significance of this alteration remains unclear.